The following is an entry in ClinVar:

NM_003907.3(EIF2B5):c.613G>A (p.Val205Met)

Gene: EIF2B5 (eukaryotic translation initiation factor 2B subunit epsilon; plus strand). Cytogenetic location: 3q27.1.
Variant type: single nucleotide variant.
Coding change: c.613G>A on transcript NM_003907.3 (MANE Select); coding-DNA position 613, G replaced by A.
Protein change: p.Val205Met; replaces valine 205 with methionine.
Molecular consequence: missense variant.
Genome position (GRCh38, 1-based): chr3:184,138,004, G>A. VCF-style: chr3-184138004-G-A. GRCh37 (hg19) VCF-style: chr3-183855792-G-A.
Other names: short protein forms V205M.
Identifiers: ClinVar variation 376766 (VCV000376766.9), dbSNP rs1057520047, ClinGen allele CA16603159.

ClinVar aggregate classification (germline): Uncertain significance. Review status: criteria provided, multiple submitters, no conflicts (2 of 4 stars). 3 submissions from 3 submitters: Uncertain significance (2). 1 of the submissions does not count toward it. Last evaluated 2022-06-13.

Conditions:
Vanishing white matter disease. Also called: CACH syndrome; Childhood ataxia with diffuse central nervous system hypomyelination; Leukoencephalopathy with vanishing white matter; CACH/VWM syndrome; Cree leukoencehalopathy. Identifiers: Orphanet 135, Orphanet 99853, MedGen C1858991, MONDO:0800448.

Allele frequency attached by ClinVar (database versions not stated): gnomAD exomes below 0.00001; TOPMed below 0.00001.

Submissions (3):

Labcorp Genetics (formerly Invitae), Labcorp
Classification: Uncertain significance. Last evaluated: 2022-06-13. Review status: criteria provided, single submitter. Criteria: Invitae Variant Classification Sherloc (09022015). Collection method: clinical testing. Allele origin: germline.
Comment: This sequence change replaces valine, which is neutral and non-polar, with methionine, which is neutral and non-polar, at codon 205 of the EIF2B5 protein (p.Val205Met). This variant is present in population databases (no rsID available, gnomAD 0.007%). This variant has not been reported in the literature in individuals affected with EIF2B5-related conditions. ClinVar contains an entry for this variant (Variation ID: 376766). Advanced modeling of protein sequence and biophysical properties (such as structural, functional, and spatial information, amino acid conservation, physicochemical variation, residue mobility, and thermodynamic stability) performed at Invitae indicates that this missense variant is not expected to disrupt EIF2B5 protein function. In summary, the available evidence is currently insufficient to determine the role of this variant in disease. Therefore, it has been classified as a Variant of Uncertain Significance.

Center for Pediatric Genomic Medicine, Children's Mercy Hospital and Clinics
Classification: Uncertain significance. Last evaluated: 2016-11-18. Review status: criteria provided, single submitter. Criteria: ACMG Guidelines, 2015. Collection method: clinical testing. Allele origin: germline.
ClinVar note: Converted during submission from Uncertain Significance to Uncertain significance.

Natera, Inc.
Classification: Uncertain significance for Leukoencephalopathy with vanishing white matter. Last evaluated: 2021-01-11. Review status: no assertion criteria provided. Collection method: clinical testing. Allele origin: germline. Not counted in ClinVar's aggregate classification.